The following is an entry in ClinVar:

NM_004183.4(BEST1):c.585G>A (p.Ala195=)

Gene: BEST1 (bestrophin 1; plus strand). Cytogenetic location: 11q12.3.
Variant type: single nucleotide variant.
Coding change: c.585G>A on transcript NM_004183.4 (MANE Select); coding-DNA position 585, G replaced by A.
Protein change: p.Ala195=; no amino-acid change (alanine 195 retained).
Molecular consequence: synonymous variant. On other transcripts: non-coding transcript variant (1).
Genome position (GRCh38, 1-based): chr11:61,956,947, G>A. VCF-style: chr11-61956947-G-A. GRCh37 (hg19) VCF-style: chr11-61724419-G-A.
Other names: c.405G>A, p.Ala135= (NM_001300787.2, NM_001139443.3, NM_001300786.2); c.267G>A, p.Ala89= (NM_001363591.3); c.585G>A, p.Ala195= (NM_001363592.2); c.-591G>A (NM_001363593.3); c.585G>A (NM_004183.3).
Identifiers: ClinVar variation 1660502 (VCV001660502.9), dbSNP rs776011957, ClinGen allele CA6040777.

ClinVar aggregate classification (germline): Likely benign. Review status: criteria provided, multiple submitters, no conflicts (2 of 4 stars). 2 submissions from 2 submitters: Likely benign (2). Last evaluated 2025-10-15.

Conditions:
BEST1-related disorder. Also called: BEST1-related disorders; BEST1-related condition. Identifiers: MedGen CN239200.

Allele frequency attached by ClinVar (database versions not stated): gnomAD 0.00001; TOPMed 0.00003; gnomAD exomes 0.00004 and 0.00006; ExAC 0.00005.
gnomAD v4.1: 53 of 1,614,024 alleles (0.0033%); highest among the groups gnomAD compares: South Asian, 0.042%; no homozygotes.

Submissions (2):

PreventionGenetics, part of Exact Sciences
Classification: Likely benign for BEST1-related condition. Last evaluated: 2025-10-15. Review status: criteria provided, single submitter. Criteria: ACMG Guidelines, 2015. Collection method: clinical testing. Allele origin: germline.
Comment: This variant is classified as likely benign based on ACMG/AMP sequence variant interpretation guidelines (Richards et al. 2015 PMID: 25741868, with internal and published modifications).

Labcorp Genetics (formerly Invitae), Labcorp
Classification: Likely benign. Last evaluated: 2021-10-14. Review status: criteria provided, single submitter. Criteria: Invitae Variant Classification Sherloc (09022015). Collection method: clinical testing. Allele origin: germline.